The following is an entry in ClinVar:

NM_153676.4(USH1C):c.2167C>T (p.Gln723Ter)

Gene: USH1C (USH1 protein network component harmonin; minus strand). Cytogenetic location: 11p15.1.
Variant type: single nucleotide variant.
Coding change: c.2167C>T on transcript NM_153676.4 (MANE Select); coding-DNA position 2167, C replaced by T.
Protein change: p.Gln723Ter; replaces glutamine 723 with a stop codon.
Molecular consequence: nonsense. On other transcripts: intron variant (2).
Genome position (GRCh38, 1-based): chr11:17,504,664, G>A on the plus strand (C>T on the coding strand, the complement: USH1C is on the minus strand). VCF-style: chr11-17504664-G-A. GRCh37 (hg19) VCF-style: chr11-17526211-G-A.
Other names: c.1228-2684C>T (NM_001297764.2); c.1285-2684C>T (NM_005709.4); short protein forms Q723*.
Identifiers: ClinVar variation 47990 (VCV000047990.30), dbSNP rs146451547, ClinGen allele CA261936.
Genomic context (GRCh38, chr11:17,504,664, plus strand): 5'-GGTGGTGGGGAGACCTCCAGACACACAATGGGTATCAGTTTACTTGTCTGAATGCTGTCT[G>A]ATAAACCACCATCCTCTTCAACATCTCCTGTGGCTGCCAGAGGAAAAAAAAAAAAGTTCC-3'

ClinVar aggregate classification (germline): Conflicting classifications of pathogenicity. Review status: criteria provided, conflicting classifications (1 of 4 stars). 12 submissions from 10 submitters: Likely pathogenic (1); Uncertain significance (7); Benign (1). 3 of the submissions do not count toward it. Last evaluated 2025-08-17.

Conditions:
Usher syndrome type 1 (USH1). Also called: RETINITIS PIGMENTOSA AND CONGENITAL DEAFNESS. Identifiers: Orphanet 231169, Orphanet 886, MedGen C1568247, MONDO:0010168, OMIM 276900.
Autosomal recessive nonsyndromic hearing loss 18A. Also called: DEAFNESS, AUTOSOMAL RECESSIVE 18; Deafness, autosomal recessive 18A. Identifiers: Orphanet 90636, MedGen C1865870, MONDO:0011192, OMIM 602092.
Usher syndrome type 1C. Also called: USHER SYNDROME, TYPE I, ACADIAN VARIETY. Identifiers: Orphanet 231169, Orphanet 886, MedGen C1848604, MONDO:0010171, OMIM 276904.

Allele frequency attached by ClinVar (database versions not stated): gnomAD exomes 0.00008 and 0.00015; ExAC 0.00023; gnomAD 0.00065 and 0.00068; TOPMed 0.00077; ESP Exome Variant Server 0.00092; 1000 Genomes Project 0.00100; 1000 Genomes Project 30x 0.00141.
gnomAD v4.1: 209 of 1,613,944 alleles (0.013%); highest among the groups gnomAD compares: African/African-American, 0.27%; no homozygotes.

Submissions (12):

GeneDx
Classification: Uncertain significance. Last evaluated: 2025-08-17. Review status: criteria provided, single submitter. Criteria: GeneDx Variant Classification Process June 2021. Collection method: clinical testing. Allele origin: germline.
Comment: Observed in apparent homozygous state in a patient with nonsyndromic hearing loss at an outside laboratory and not observed in homozygous state in controls (SCV000064957.6); Reported in the heterozygous state without a second variant in patients in published literature (PMID: 31053783, 29907799, 24367280); Nonsense variant predicted to result in protein truncation or nonsense mediated decay in a gene for which loss-of-function is not a known mechanism of disease; Reported using an alternate transcript of the gene; This variant is associated with the following publications: (PMID: 31053783, 12136232, 29907799, 30096381, 24367280, 31589614)

Women's Health and Genetics/Laboratory Corporation of America, LabCorp
Classification: Uncertain significance. Last evaluated: 2025-01-09. Review status: criteria provided, single submitter. Criteria: LabCorp Variant Classification Summary - May 2015. Collection method: clinical testing. Allele origin: germline.
Comment: Variant summary: USH1C c.1285-2684C>T is located at a position not widely known to affect splicing. Consensus agreement among computation tools predict no significant impact on normal splicing. However, these predictions have yet to be confirmed by functional studies. The variant allele was found at a frequency of 0.00015 in 251424 control chromosomes, predominantly at a frequency of 0.0023 within the African or African-American subpopulation in the gnomAD database. This frequency is not significantly higher than estimated for a pathogenic variant in USH1C causing Usher Syndrome (0.00015 vs 0.0029), allowing no conclusion about variant significance. The variant results in a premature termination codon in an alternate transcript (NM_153676.3: c.2167C>T, p.Gln723X). In this alternate transcript, the variant is located within exon 20 which Di Stefano et al (2018) determined to be a 'distinct exon of uncertain significance'. Transcripts containing alternatively spliced exons were found to be expressed in the inner ear, but not in the eye (PMID 12136232). These reports do not provide unequivocal conclusions about association of the variant with Usher Syndrome. To our knowledge, no experimental evidence demonstrating an impact on protein function has been reported. To our knowledge, no experimental evidence demonstrating an impact on protein function has been reported. The following publications have been ascertained in the context of this evaluation (PMID: 29907799, 30096381). ClinVar contains an entry for this variant (Variation ID: 47990). Based on the evidence outlined above, the variant was classified as uncertain significance.

Baylor Genetics
Classification: Uncertain significance for Usher syndrome type 1. Last evaluated: 2024-09-29. Review status: criteria provided, single submitter. Criteria: ACMG Guidelines, 2015. Collection method: clinical testing. Allele origin: germline.
Comment: The c.1285-2684C>T variant in the USH1C gene (NM_005709.4), also known as c.2167C>T (p.Q723*) in NM_153676.4, has been reported in a heterozygous state with no second variant in an individual with mild sensorineural hearing loss (PMID: 29907799). At this time, there is no definitive correlation between the NM_153676.4 isoform and Usher syndrome, so we have classified this variant as uncertain.

Genomic Medicine Center of Excellence, King Faisal Specialist Hospital and Research Centre
Classification: Uncertain significance for Usher syndrome type 1C. Last evaluated: 2024-09-22. Review status: criteria provided, single submitter. Criteria: ACMG Guidelines, 2015. Collection method: clinical testing. Allele origin: germline.

Blueprint Genetics
Classification: Uncertain significance. Last evaluated: 2022-09-13. Review status: criteria provided, single submitter. Criteria: ACMG Guidelines, 2015. Collection method: clinical testing. Allele origin: germline.

Labcorp Genetics (formerly Invitae), Labcorp
Classification: Benign. Last evaluated: 2021-12-09. Review status: criteria provided, single submitter. Criteria: Invitae Variant Classification Sherloc (09022015). Collection method: clinical testing. Allele origin: germline.

Laboratory for Molecular Medicine, Mass General Brigham Personalized Medicine
Classification: Uncertain significance. Last evaluated: 2018-12-13. Review status: criteria provided, single submitter. Criteria: LMM Criteria. Collection method: clinical testing. Allele origin: germline. Observed: 3 variant alleles.
Comment: This variant has been reported in ClinVar (Vari ant ID: 47990). However, it has also been identified in 0.25% (59/24002) African chromosomes by the Genome Aggregation Database (gnomAD). This variant leads to a premature stop codon at position 723. Howeve r, the p.Gln723X variant is located in exon 20 of an alternatively spiced isofor m. This splice isoform has been reported to be expressed in the inner ear and n ot in the retina based upon studies in mice (Ouyang 2002). However, there is ins ufficient evidence in humans to support whether variants in the exons unique to this isoform would result in hearing loss or Usher syndrome. In addition to the p.Gln723X variant, there is a second putative loss of function variant that is a lso unique to this transcript that is present at a high frequency in the general population and as such, it is not clear whether variants in this exon are disea se causing (DiStefano 2018). In summary, due to the uncertainty whether variants affecting the exons specific to the transcript in which p.Gln723X lies, the cli nical significance of the p.Gln723X variant is uncertain. ACMG/AMP criteria appl ied: PVS1_Moderate, BS1_Supporting.

Eurofins Ntd Llc (ga)
Classification: Likely pathogenic. Last evaluated: 2016-04-08. Review status: criteria provided, single submitter. Criteria: EGL Classification Definitions 2015. Collection method: clinical testing. Allele origin: germline. Observed: 1 variant allele, 1 heterozygote.

Baylor Genetics
Classification: Uncertain significance for Usher syndrome type 1C. Review status: criteria provided, single submitter. Criteria: ACMG Guidelines, 2015. Collection method: clinical testing. Allele origin: unknown.

Counsyl
Classification: Uncertain significance for Usher syndrome type 1C. Last evaluated: 2019-04-07. Review status: no assertion criteria provided. Collection method: clinical testing. Allele origin: unknown. Not counted in ClinVar's aggregate classification.

Counsyl
Classification: Uncertain significance for Autosomal recessive nonsyndromic hearing loss 18A. Last evaluated: 2019-04-07. Review status: no assertion criteria provided. Collection method: clinical testing. Allele origin: unknown. Not counted in ClinVar's aggregate classification.

Division of Human Genetics, Children's Hospital of Philadelphia
Classification: Likely pathogenic for Deafness, autosomal recessive 18A. Last evaluated: 2015-02-20. Review status: flagged submission. Collection method: research. Allele origin: germline. Affected: no. Study: CSER-PediSeq. Not counted in ClinVar's aggregate classification.
Comment: This heterozygous variant (c.2167C>T; p.Gln723X) variant has not been previously reported in the literature but has been reported in the ClinVar database as likely pathogenic by the Laboratory for Molecular Medicine in two families. This variant is predicted to result in a premature protein truncation in only one isoform (NM_153676.3). Missense mutations have been reported in exons specific to this isoform in patients with non-syndromic hearing loss, suggesting that alterations affecting only this isoform may result in a clinical phenotype (PMID: 12136232). This isoform is known to be expressed in the inner ear but not in the eye, which may explain the lack of an eye phenotype in the reported patients. Because the mode of inheritance for this condition does not match the observed inheritance of the disorder in the family this variant was not considered to be causative of the patient’s clinical presentation of hearing loss.
ClinVar note: Reason: Outlier claim with insufficient supporting evidence

Literature cited by the submitters: PubMed 29907799 (cited by Women's Health and Genetics/Laboratory Corporation of America, LabCorp); PubMed 30096381 (cited by Women's Health and Genetics/Laboratory Corporation of America, LabCorp and Laboratory for Molecular Medicine, Mass General Brigham Personalized Medicine); PubMed 12136232 (cited by Laboratory for Molecular Medicine, Mass General Brigham Personalized Medicine and Division of Human Genetics, Children's Hospital of Philadelphia).